The following is an entry in ClinVar:

NM_012123.4(MTO1):c.937C>T (p.Arg313Ter)

Gene: MTO1 (mitochondrial tRNA translation optimization 1; plus strand). Cytogenetic location: 6q13.
Variant type: single nucleotide variant.
Coding change: c.937C>T on transcript NM_012123.4 (MANE Select); coding-DNA position 937, C replaced by T.
Protein change: p.Arg313Ter; replaces arginine 313 with a stop codon.
Molecular consequence: nonsense.
Genome position (GRCh38, 1-based): chr6:73,479,843, C>T. VCF-style: chr6-73479843-C-T. GRCh37 (hg19) VCF-style: chr6-74189566-C-T.
Other names: c.937C>T, p.Arg313Ter (NM_001123226.2, NM_133645.3); short protein forms R313*.
Identifiers: ClinVar variation 2901473 (VCV002901473.3), dbSNP rs1771434910, ClinGen allele CA364714550.
Genomic context (GRCh38, chr6:73,479,843, plus strand): 5'-GAGATTGTCCTTAAGAACCTTCACCTTAATAGTCATGTTAAAGAAACGACAAGAGGACCT[C>T]GGTAAGGACAAAATGTCAGTGCTCAGTTACTTTAAGGAATGACGTCAATCCTCTTTTGTT-3'

ClinVar aggregate classification (germline): Pathogenic (1 of 4 stars; one submission).

Conditions:
Mitochondrial hypertrophic cardiomyopathy with lactic acidosis due to MTO1 deficiency. Also called: Combined oxidative phosphorylation deficiency 10; CARDIOMYOPATHY, INFANTILE HYPERTROPHIC MITOCHONDRIAL, AND LACTIC ACIDOSIS. Identifiers: Orphanet 314637, MedGen C4749921, MONDO:0013865, OMIM 614702.

Allele frequency attached by ClinVar (database versions not stated): gnomAD exomes below 0.00001; gnomAD 0.00001.
gnomAD v4.1: 4 of 1,609,856 alleles (0.00025%); highest among the groups gnomAD compares: Admixed American, 0.0017%; no homozygotes.

Submission:

Labcorp Genetics (formerly Invitae), Labcorp
Classification: Pathogenic for Mitochondrial hypertrophic cardiomyopathy with lactic acidosis due to MTO1 deficiency. Last evaluated: 2024-02-15. Review status: criteria provided, single submitter. Criteria: Invitae Variant Classification Sherloc (09022015). Collection method: clinical testing. Allele origin: germline.
Comment: This sequence change creates a premature translational stop signal (p.Arg313*) in the MTO1 gene. It is expected to result in an absent or disrupted protein product. Loss-of-function variants in MTO1 are known to be pathogenic (PMID: 22608499, 25058219). This variant is not present in population databases (gnomAD no frequency). This variant has not been reported in the literature in individuals affected with MTO1-related conditions. For these reasons, this variant has been classified as Pathogenic.

Literature cited by the submitters: PubMed 22608499; PubMed 25058219.